The following is an entry in ClinVar:

NM_000159.4(GCDH):c.683G>T (p.Cys228Phe)

Gene: GCDH (glutaryl-CoA dehydrogenase; plus strand). Cytogenetic location: 19p13.13.
Variant type: single nucleotide variant.
Coding change: c.683G>T on transcript NM_000159.4 (MANE Select); coding-DNA position 683, G replaced by T.
Protein change: p.Cys228Phe; replaces cysteine 228 with phenylalanine.
Molecular consequence: missense variant. On other transcripts: non-coding transcript variant (2).
Genome position (GRCh38, 1-based): chr19:12,896,252, G>T. VCF-style: chr19-12896252-G-T. GRCh37 (hg19) VCF-style: chr19-13007066-G-T.
Other names: c.683G>T (NM_000159.2); c.683G>T, p.Cys228Phe (NM_013976.5); short protein forms C228F.
Identifiers: ClinVar variation 1404269 (VCV001404269.12), dbSNP rs1970675873, ClinGen allele CA404318610.

ClinVar aggregate classification (germline): Conflicting classifications of pathogenicity. Review status: criteria provided, conflicting classifications (1 of 4 stars). 4 submissions from 4 submitters: Pathogenic (1); Likely pathogenic (1); Uncertain significance (2). Last evaluated 2025-03-27.

Conditions:
Glutaric aciduria, type 1. Also called: Glutaryl-CoA dehydrogenase deficiency; Glutaric acidemia type I; Glutaric Acidemia Type 1; GA I; Glutaricacidemia Type 1; Glutaricaciduria, type I. Identifiers: Orphanet 25, MedGen C0268595, MONDO:0009281, OMIM 231670.

gnomAD v4.1: 1 of 1,612,622 alleles (0.000062%); highest among the groups gnomAD compares: Admixed American, 0.0017%; no homozygotes.

Submissions (4):

Labcorp Genetics (formerly Invitae), Labcorp
Classification: Pathogenic for Glutaric aciduria, type 1. Last evaluated: 2025-03-27. Review status: criteria provided, single submitter. Criteria: Invitae Variant Classification Sherloc (09022015). Collection method: clinical testing. Allele origin: germline.
Comment: This sequence change replaces cysteine, which is neutral and slightly polar, with phenylalanine, which is neutral and non-polar, at codon 228 of the GCDH protein (p.Cys228Phe). This variant is not present in population databases (gnomAD no frequency). This missense change has been observed in individual(s) with glutaric acidemia, type I (PMID: 18304851; internal data). ClinVar contains an entry for this variant (Variation ID: 1404269). Invitae Evidence Modeling of protein sequence and biophysical properties (such as structural, functional, and spatial information, amino acid conservation, physicochemical variation, residue mobility, and thermodynamic stability) indicates that this missense variant is not expected to disrupt GCDH protein function with a negative predictive value of 80%. This variant disrupts the p.Cys228 amino acid residue in GCDH. Other variant(s) that disrupt this residue have been observed in individuals with GCDH-related conditions (PMID: 29665094), which suggests that this may be a clinically significant amino acid residue. For these reasons, this variant has been classified as Pathogenic.

Baylor Genetics
Classification: Likely pathogenic for Glutaric aciduria, type 1. Last evaluated: 2024-03-19. Review status: criteria provided, single submitter. Criteria: ACMG Guidelines, 2015. Collection method: clinical testing. Allele origin: unknown.

GeneDx
Classification: Uncertain significance. Last evaluated: 2024-02-22. Review status: criteria provided, single submitter. Criteria: GeneDx Variant Classification Process June 2021. Collection method: clinical testing. Allele origin: germline. Affected: yes.
Comment: Identified in an individual with suspected GA1, however specific patient information was not described (PMID: 37020324); Identified in an infant with an abnormal newborn screen, however specific patient information was not described (PMID: 32778825); Not observed at significant frequency in large population cohorts (gnomAD); In silico analysis supports that this missense variant has a deleterious effect on protein structure/function; This variant is associated with the following publications: (PMID: 37020324, 32778825, 18304851)

Women's Health and Genetics/Laboratory Corporation of America, LabCorp
Classification: Uncertain significance. Last evaluated: 2023-12-15. Review status: criteria provided, single submitter. Criteria: LabCorp Variant Classification Summary - May 2015. Collection method: clinical testing. Allele origin: germline.
Comment: Variant summary: GCDH c.683G>T (p.Cys228Phe) results in a non-conservative amino acid change located in the Acyl-CoA oxidase/dehydrogenase, middle domain (IPR006091) of the encoded protein sequence. Five of five in-silico tools predict a damaging effect of the variant on protein function. The variant was absent in 251378 control chromosomes (gnomAD). The available data on variant occurrences in the general population are insufficient to allow any conclusion about variant significance. c.683G>T has been reported in the literature in at-least one individual affected with Glutaric Acidemia Type 1 (example: Crombez_2009). These data do not allow any conclusion about variant significance. To our knowledge, no experimental evidence demonstrating an impact on protein function has been reported. The following publications have been ascertained in the context of this evaluation (PMID: 32778825, 18304851). One submitter has cited clinical-significance assessments for this variant to ClinVar after 2014 and has classified the variant as pathogenic. Based on the evidence outlined above, the variant was classified as uncertain significance.

Literature cited by the submitters: PubMed 18304851 (cited by Labcorp Genetics (formerly Invitae), Labcorp and Women's Health and Genetics/Laboratory Corporation of America, LabCorp); PubMed 29665094 (cited by Labcorp Genetics (formerly Invitae), Labcorp); PubMed 32778825 (cited by Women's Health and Genetics/Laboratory Corporation of America, LabCorp).